The following is an entry in ClinVar:

ClinVar aggregate classification (germline): Uncertain significance. Review status: criteria provided, multiple submitters, no conflicts (2 of 4 stars). 2 submissions from 2 submitters: Uncertain significance (2). Last evaluated 2023-09-13.

Conditions:
Autosomal dominant hypocalcemia 1 (HYPOC1). Also called: HYPOCALCEMIA, FAMILIAL. Identifiers: MedGen C3715128, MONDO:0011013, OMIM 601198.
Familial hypocalciuric hypercalcemia (FHH). Also called: Familial benign hypercalcemia. Identifiers: Orphanet 405, MedGen C1809471, MONDO:0018458.
Nephrolithiasis/nephrocalcinosis. Identifiers: MedGen CN580796.

Submissions (2):

Ambry Genetics
Classification: Uncertain significance for Nephrolithiasis/nephrocalcinosis. Last evaluated: 2023-09-13. Review status: criteria provided, single submitter. Criteria: Ambry Variant Classification Scheme 2023. Collection method: clinical testing. Allele origin: germline.
Comment: The p.K963N variant (also known as c.2889G>T), located in coding exon 6 of the CASR gene, results from a G to T substitution at nucleotide position 2889. The lysine at codon 963 is replaced by asparagine, an amino acid with similar properties. This amino acid position is conserved. In addition, this alteration is predicted to be tolerated by in silico analysis. Since supporting evidence is limited at this time, the clinical significance of this alteration remains unclear.

Labcorp Genetics (formerly Invitae), Labcorp
Classification: Uncertain significance for Familial hypocalciuric hypercalcemia; Autosomal dominant hypocalcemia 1. Last evaluated: 2023-06-17. Review status: criteria provided, single submitter. Criteria: Invitae Variant Classification Sherloc (09022015). Collection method: clinical testing. Allele origin: germline.
Comment: In summary, the available evidence is currently insufficient to determine the role of this variant in disease. Therefore, it has been classified as a Variant of Uncertain Significance. An algorithm developed to predict the effect of missense changes on protein structure and function (PolyPhen-2) suggests that this variant is likely to be disruptive. This variant has not been reported in the literature in individuals affected with CASR-related conditions. This variant is not present in population databases (gnomAD no frequency). This sequence change replaces lysine, which is basic and polar, with asparagine, which is neutral and polar, at codon 963 of the CASR protein (p.Lys963Asn).

NM_000388.4(CASR):c.2889G>T (p.Lys963Asn)

Gene: CASR (calcium sensing receptor; plus strand). Cytogenetic location: 3q21.1.
Variant type: single nucleotide variant.
Coding change: c.2889G>T on transcript NM_000388.4 (MANE Select); coding-DNA position 2889, G replaced by T.
Protein change: p.Lys963Asn; replaces lysine 963 with asparagine.
Molecular consequence: missense variant.
Genome position (GRCh38, 1-based): chr3:122,284,843, G>T. VCF-style: chr3-122284843-G-T. GRCh37 (hg19) VCF-style: chr3-122003690-G-T.
Other names: c.2889G>T (NM_000388.3); c.2919G>T, p.Lys973Asn (NM_001178065.2); short protein forms K973N, K963N.
Identifiers: ClinVar variation 2944188 (VCV002944188.4), dbSNP rs1060502859, ClinGen allele CA354160991.